The following is an entry in ClinVar:

ClinVar aggregate classification (germline): Uncertain significance (1 of 4 stars; one submission).

Conditions:
Multiple endocrine neoplasia type 4. Also called: MULTIPLE ENDOCRINE NEOPLASIA, TYPE IV. Identifiers: Orphanet 276152, MedGen C1970712, MONDO:0012552, OMIM 610755.

Submission:

Labcorp Genetics (formerly Invitae), Labcorp
Classification: Uncertain significance for Multiple endocrine neoplasia type 4. Last evaluated: 2024-10-02. Review status: criteria provided, single submitter. Criteria: Invitae Variant Classification Sherloc (09022015). Collection method: clinical testing. Allele origin: germline.
Comment: This sequence change results in a frameshift in the CDKN1B gene (p.Asp136Glyfs*70). While this is not anticipated to result in nonsense mediated decay, it is expected to disrupt the last 63 amino acid(s) of the CDKN1B protein and extend the protein by 6 additional amino acid residues. This variant is not present in population databases (gnomAD no frequency). This variant has not been reported in the literature in individuals affected with CDKN1B-related conditions. Experimental studies and prediction algorithms are not available or were not evaluated, and the functional significance of this variant is currently unknown. In summary, the available evidence is currently insufficient to determine the role of this variant in disease. Therefore, it has been classified as a Variant of Uncertain Significance.

NM_004064.5(CDKN1B):c.406_407insGTGG (p.Asp136fs)

Gene: CDKN1B (cyclin dependent kinase inhibitor 1B; plus strand). Cytogenetic location: 12p13.1.
Variant type: Insertion.
Coding change: c.406_407insGTGG on transcript NM_004064.5 (MANE Select); coding-DNA positions 406 to 407, GTGG inserted.
Protein change: p.Asp136fs; shifts the reading frame from aspartic acid 136.
Molecular consequence: frameshift variant.
Genome position: GRCh38 VCF-style: chr12-12718244-T-TGGTG. GRCh37 (hg19) VCF-style: chr12-12871178-T-TGGTG.
Other names: short protein forms D136fs.
Identifiers: ClinVar variation 3721972 (VCV003721972.2).